The following is an entry in ClinVar:

NM_002838.5(PTPRC):c.1357A>T (p.Thr453Ser)

Gene: PTPRC (protein tyrosine phosphatase receptor type C; plus strand). Cytogenetic location: 1q32.1.
Variant type: single nucleotide variant.
Coding change: c.1357A>T on transcript NM_002838.5 (MANE Select); coding-DNA position 1357, A replaced by T.
Protein change: p.Thr453Ser; replaces threonine 453 with serine.
Molecular consequence: missense variant.
Genome position (GRCh38, 1-based): chr1:198,716,747, A>T. VCF-style: chr1-198716747-A-T. GRCh37 (hg19) VCF-style: chr1-198685876-A-T.
Other names: c.874A>T, p.Thr292Ser (NM_080921.4); c.1351A>T (NM_002838.3); short protein forms T453S, T292S.
Identifiers: ClinVar variation 573603 (VCV000573603.7), dbSNP rs1297093496, ClinGen allele CA344037431.

ClinVar aggregate classification (germline): Uncertain significance. Review status: criteria provided, multiple submitters, no conflicts (2 of 4 stars). 2 submissions from 2 submitters: Uncertain significance (2). Last evaluated 2022-08-31.

Conditions:
Immunodeficiency 104. Also called: SCID, AUTOSOMAL RECESSIVE, T CELL-NEGATIVE, B CELL-POSITIVE, NK CELL-POSITIVE; Severe Combined Immune Deficiency, Autosomal Recessive, TCell -Negative, B Cell-Positive, NK Cell-Positive, IL7R-Related; Severe combined immunodeficiency, autosomal recessive, T cell-negative, B cell-positive, NK cell-positive; IMMUNODEFICIENCY 104, SEVERE COMBINED. Identifiers: MedGen C5676890, MONDO:0012163, OMIM 608971.
Inborn genetic diseases. Identifiers: MedGen C0950123, MeSH D030342.

Allele frequency attached by ClinVar (database versions not stated): gnomAD exomes 0.00001.
gnomAD v4.1: 6 of 1,612,758 alleles (0.00037%); highest among the groups gnomAD compares: East Asian, 0.0089%; no homozygotes.

Submissions (2):

Labcorp Genetics (formerly Invitae), Labcorp
Classification: Uncertain significance for Immunodeficiency 104. Last evaluated: 2022-08-31. Review status: criteria provided, single submitter. Criteria: Invitae Variant Classification Sherloc (09022015). Collection method: clinical testing. Allele origin: germline.
Comment: This sequence change replaces threonine, which is neutral and polar, with serine, which is neutral and polar, at codon 453 of the PTPRC protein (p.Thr453Ser). This variant is present in population databases (no rsID available, gnomAD 0.02%). This variant has not been reported in the literature in individuals affected with PTPRC-related conditions. ClinVar contains an entry for this variant (Variation ID: 573603). Algorithms developed to predict the effect of missense changes on protein structure and function (SIFT, PolyPhen-2, Align-GVGD) all suggest that this variant is likely to be tolerated. In summary, the available evidence is currently insufficient to determine the role of this variant in disease. Therefore, it has been classified as a Variant of Uncertain Significance.

Ambry Genetics
Classification: Uncertain significance for Inborn genetic diseases. Last evaluated: 2021-09-09. Review status: criteria provided, single submitter. Criteria: Ambry Variant Classification Scheme 2023. Collection method: clinical testing. Allele origin: germline.